The following is an entry in ClinVar:

ClinVar aggregate classification (germline): Uncertain significance. Review status: criteria provided, multiple submitters, no conflicts (2 of 4 stars). 2 submissions from 2 submitters: Uncertain significance (2). Last evaluated 2025-06-28.

Conditions:
Hypertrophic cardiomyopathy 1 (CMH1). Also called: Familial hypertrophic cardiomyopathy 1; MYH7-Related Familial Hypertrophic Cardiomyopathy. Identifiers: MedGen C3495498, MONDO:0008647, OMIM 192600.

Submissions (2):

Ambry Genetics
Classification: Uncertain significance. Last evaluated: 2025-06-28. Review status: criteria provided, single submitter. Criteria: Ambry Variant Classification Scheme 2023. Collection method: clinical testing. Allele origin: germline.
Comment: The p.G595R variant (also known as c.1783G>C), located in coding exon 12 of the MYLK2 gene, results from a G to C substitution at nucleotide position 1783. The glycine at codon 595 is replaced by arginine, an amino acid with dissimilar properties. This amino acid position is conserved. In addition, the in silico prediction for this alteration is inconclusive. Based on the available evidence, the clinical significance of this variant remains unclear.

Labcorp Genetics (formerly Invitae), Labcorp
Classification: Uncertain significance for Hypertrophic cardiomyopathy 1. Last evaluated: 2021-03-28. Review status: criteria provided, single submitter. Criteria: Invitae Variant Classification Sherloc (09022015). Collection method: clinical testing. Allele origin: germline.
Comment: This sequence change replaces glycine with arginine at codon 595 of the MYLK2 protein (p.Gly595Arg). The glycine residue is highly conserved and there is a moderate physicochemical difference between glycine and arginine. In summary, the available evidence is currently insufficient to determine the role of this variant in disease. Therefore, it has been classified as a Variant of Uncertain Significance. Algorithms developed to predict the effect of missense changes on protein structure and function are either unavailable or do not agree on the potential impact of this missense change (SIFT: "Deleterious"; PolyPhen-2: "Probably Damaging"; Align-GVGD: "Class C0"). This variant has not been reported in the literature in individuals with MYLK2-related conditions. This variant is not present in population databases (ExAC no frequency).

NM_033118.4(MYLK2):c.1783G>C (p.Gly595Arg)

Gene: MYLK2 (myosin light chain kinase 2; plus strand). Cytogenetic location: 20q11.21.
Variant type: single nucleotide variant.
Coding change: c.1783G>C on transcript NM_033118.4 (MANE Select); coding-DNA position 1783, G replaced by C.
Protein change: p.Gly595Arg; replaces glycine 595 with arginine.
Molecular consequence: missense variant.
Genome position (GRCh38, 1-based): chr20:31,833,789, G>C. VCF-style: chr20-31833789-G-C. GRCh37 (hg19) VCF-style: chr20-30421592-G-C.
Other names: c.1783G>C (NM_033118.3); short protein forms G595R.
Identifiers: ClinVar variation 1423380 (VCV001423380.9), dbSNP rs2062319327, ClinGen allele CA408528668.